The following is an entry in ClinVar:

ClinVar aggregate classification (germline): Likely pathogenic (1 of 4 stars; one submission).

Conditions:
Amyloidosis, primary localized cutaneous, 3. Also called: AMYLOIDOSIS CUTIS DYSCHROMICA. Identifiers: MedGen C4554421, MONDO:0054765, OMIM 617920.

Submission:

Juno Genomics, Hangzhou Juno Genomics, Inc
Classification: Likely pathogenic for Amyloidosis, primary localized cutaneous, 3. Review status: criteria provided, single submitter. Criteria: ACMG Guidelines, 2015. Collection method: clinical testing. Allele origin: germline. Affected: yes.
Comment: Absent from controls (or at extremely low frequency if recessive) in Genome Aggregation Database, Exome Sequencing Project, 1000 Genomes Project, or Exome Aggregation Consortium.;Null variant in a gene where loss of function (LOF) is a known mechanism of disease.

NM_002510.3(GPNMB):c.807del (p.Pro270fs)

Gene: GPNMB (glycoprotein nmb; plus strand). Cytogenetic location: 7p15.3.
Variant type: Deletion.
Coding change: c.807del on transcript NM_002510.3 (MANE Select); coding-DNA position 807, one base deleted (T; older notation c.807delT).
Protein change: p.Pro270fs; shifts the reading frame from proline 270.
Molecular consequence: frameshift variant.
Genome position (GRCh38, 1-based): chr7:23,260,562, T deleted. VCF-style (leftmost placement, unchanged base first): chr7-23260561-AT-A. GRCh37 (hg19) VCF-style: chr7-23300180-AT-A.
Other names: c.807del, p.Pro270fs (NM_001005340.2); short protein forms P270fs.
Identifiers: ClinVar variation 3382360 (VCV003382360.2).